The following is an entry in ClinVar:

NM_001278512.2(AP3B2):c.2269A>C (p.Ser757Arg)

Genes: AP3B2 (adaptor related protein complex 3 subunit beta 2; minus strand), CPEB1-AS1 (CPEB1 antisense RNA 1; plus strand). Cytogenetic location: 15q25.2.
Variant type: single nucleotide variant.
Coding change: c.2269A>C on transcript NM_001278512.2 (MANE Select); coding-DNA position 2269, A replaced by C.
Protein change: p.Ser757Arg; replaces serine 757 with arginine.
Molecular consequence: missense variant.
Genome position (GRCh38, 1-based): chr15:82,663,968, T>G on the plus strand (A>C on the coding strand, the complement: AP3B2 is on the minus strand). VCF-style: chr15-82663968-T-G. GRCh37 (hg19) VCF-style: chr15-83332720-T-G.
Other names: c.2116A>C, p.Ser706Arg (NM_001278511.2); c.2212A>C, p.Ser738Arg (NM_004644.5); short protein forms S738R, S706R, S757R.
Identifiers: ClinVar variation 1355622 (VCV001355622.6), dbSNP rs574943201, ClinGen allele CA393310960.

ClinVar aggregate classification (germline): Uncertain significance (1 of 4 stars; one submission).

gnomAD v4.1: 1 of 1,603,102 alleles (0.000062%); highest among the groups gnomAD compares: East Asian, 0.0022%; no homozygotes.

Submission:

Labcorp Genetics (formerly Invitae), Labcorp
Classification: Uncertain significance. Last evaluated: 2022-03-15. Review status: criteria provided, single submitter. Criteria: Invitae Variant Classification Sherloc (09022015). Collection method: clinical testing. Allele origin: germline.
Comment: This variant is present in population databases (no rsID available, gnomAD 0.006%). In summary, the available evidence is currently insufficient to determine the role of this variant in disease. Therefore, it has been classified as a Variant of Uncertain Significance. Algorithms developed to predict the effect of missense changes on protein structure and function (SIFT, PolyPhen-2, Align-GVGD) all suggest that this variant is likely to be tolerated. This variant has not been reported in the literature in individuals affected with AP3B2-related conditions. This sequence change replaces serine, which is neutral and polar, with arginine, which is basic and polar, at codon 738 of the AP3B2 protein (p.Ser738Arg).